The following is an entry in ClinVar:

NM_004168.4(SDHA):c.1462G>T (p.Ala488Ser)

Gene: SDHA (succinate dehydrogenase complex flavoprotein subunit A; plus strand). Cytogenetic location: 5p15.33.
Variant type: single nucleotide variant.
Coding change: c.1462G>T on transcript NM_004168.4 (MANE Select); coding-DNA position 1462, G replaced by T.
Protein change: p.Ala488Ser; replaces alanine 488 with serine.
Molecular consequence: missense variant.
Genome position (GRCh38, 1-based): chr5:240,387, G>T. VCF-style: chr5-240387-G-T. GRCh37 (hg19) VCF-style: chr5-240502-G-T.
Other names: c.1318G>T, p.Ala440Ser (NM_001294332.2); c.1462G>T, p.Ala488Ser (NM_001330758.2); short protein forms A488S, A440S.
Identifiers: ClinVar variation 936486 (VCV000936486.12), dbSNP rs369100772, ClinGen allele CA359014218.

ClinVar aggregate classification (germline): Uncertain significance. Review status: criteria provided, multiple submitters, no conflicts (2 of 4 stars). 2 submissions from 2 submitters: Uncertain significance (2). Last evaluated 2025-10-09.

Conditions:
Mitochondrial complex II deficiency, nuclear type 1. Also called: SUCCINATE CoQ REDUCTASE DEFICIENCY. Identifiers: Orphanet 3208, MedGen C5700310, MONDO:0100294, OMIM 252011.
Pheochromocytoma/paraganglioma syndrome 5. Also called: Paragangliomas 5; SDHA-Related Hereditary Paraganglioma-Pheochromocytoma Syndrome. Identifiers: Orphanet 29072, MedGen C3279992, MONDO:0013602, OMIM 614165.
Hereditary cancer-predisposing syndrome. Also called: Hereditary Cancer Syndrome; Neoplastic Syndromes, Hereditary; Tumor predisposition; Hereditary neoplastic syndrome. Identifiers: Orphanet 140162, MedGen C0027672, MeSH D009386, MONDO:0015356.

gnomAD v4.1: 5 of 1,609,064 alleles (0.00031%); highest among the groups gnomAD compares: East Asian, 0.0022%; no homozygotes.

Submissions (2):

Labcorp Genetics (formerly Invitae), Labcorp
Classification: Uncertain significance for Pheochromocytoma/paraganglioma syndrome 5; Mitochondrial complex II deficiency, nuclear type 1. Last evaluated: 2025-10-09. Review status: criteria provided, single submitter. Criteria: Invitae Variant Classification Sherloc (09022015). Collection method: clinical testing. Allele origin: germline.
Comment: This sequence change replaces alanine, which is neutral and non-polar, with serine, which is neutral and polar, at codon 488 of the SDHA protein (p.Ala488Ser). This variant is not present in population databases (gnomAD no frequency). This variant has not been reported in the literature in individuals affected with SDHA-related conditions. ClinVar contains an entry for this variant (Variation ID: 936486). Invitae Evidence Modeling of protein sequence and biophysical properties (such as structural, functional, and spatial information, amino acid conservation, physicochemical variation, residue mobility, and thermodynamic stability) indicates that this missense variant is not expected to disrupt SDHA protein function with a negative predictive value of 95%. In summary, the available evidence is currently insufficient to determine the role of this variant in disease. Therefore, it has been classified as a Variant of Uncertain Significance.

Ambry Genetics
Classification: Uncertain significance for Hereditary cancer-predisposing syndrome. Last evaluated: 2024-12-06. Review status: criteria provided, single submitter. Criteria: Ambry Variant Classification Scheme 2023. Collection method: clinical testing. Allele origin: germline.
Comment: The p.A488S variant (also known as c.1462G>T), located in coding exon 11 of the SDHA gene, results from a G to T substitution at nucleotide position 1462. The alanine at codon 488 is replaced by serine, an amino acid with similar properties. This amino acid position is conserved. In addition, the in silico prediction for this alteration is inconclusive. Since supporting evidence is limited at this time, the clinical significance of this alteration remains unclear.